The following is an entry in ClinVar:

ClinVar aggregate classification (germline): Uncertain significance. Review status: criteria provided, multiple submitters, no conflicts (2 of 4 stars). 2 submissions from 2 submitters: Uncertain significance (2). Last evaluated 2025-08-19.

Conditions:
Dyskeratosis congenita, autosomal dominant 2. Identifiers: MedGen C3151443, MONDO:0013521, OMIM 613989.
Idiopathic Pulmonary Fibrosis. Also called: Idiopathic fibrosing alveolitis, chronic form; idiopathic fibrosing alveolitis. Identifiers: Orphanet 2032, MedGen C1800706, MeSH D054990, MONDO:0800504.
Dyskeratosis congenita. Identifiers: Orphanet 1775, MedGen C0265965, MONDO:0015780.

Submissions (2):

Ambry Genetics
Classification: Uncertain significance for Dyskeratosis congenita. Last evaluated: 2025-08-19. Review status: criteria provided, single submitter. Criteria: Ambry Variant Classification Scheme 2023. Collection method: clinical testing. Allele origin: germline.
Comment: The p.V658L variant (also known as c.1972G>T), located in coding exon 5 of the TERT gene, results from a G to T substitution at nucleotide position 1972. The valine at codon 658 is replaced by leucine, an amino acid with highly similar properties. This amino acid position is conserved. In addition, this alteration is predicted to be tolerated by in silico analysis. Based on the available evidence, the clinical significance of this variant remains unclear.

Labcorp Genetics (formerly Invitae), Labcorp
Classification: Uncertain significance for Dyskeratosis congenita, autosomal dominant 2; Idiopathic Pulmonary Fibrosis. Last evaluated: 2023-01-15. Review status: criteria provided, single submitter. Criteria: Invitae Variant Classification Sherloc (09022015). Collection method: clinical testing. Allele origin: germline.
Comment: This sequence change replaces valine, which is neutral and non-polar, with leucine, which is neutral and non-polar, at codon 658 of the TERT protein (p.Val658Leu). This variant is not present in population databases (gnomAD no frequency). This variant has not been reported in the literature in individuals affected with TERT-related conditions. Advanced modeling of protein sequence and biophysical properties (such as structural, functional, and spatial information, amino acid conservation, physicochemical variation, residue mobility, and thermodynamic stability) performed at Invitae indicates that this missense variant is not expected to disrupt TERT protein function. In summary, the available evidence is currently insufficient to determine the role of this variant in disease. Therefore, it has been classified as a Variant of Uncertain Significance.

NM_198253.3(TERT):c.1972G>T (p.Val658Leu)

Gene: TERT (telomerase reverse transcriptase; minus strand). Cytogenetic location: 5p15.33.
Variant type: single nucleotide variant.
Coding change: c.1972G>T on transcript NM_198253.3 (MANE Select); coding-DNA position 1972, G replaced by T.
Protein change: p.Val658Leu; replaces valine 658 with leucine.
Molecular consequence: missense variant. On other transcripts: non-coding transcript variant (2).
Genome position (GRCh38, 1-based): chr5:1,279,449, C>A on the plus strand (G>T on the coding strand, the complement: TERT is on the minus strand). VCF-style: chr5-1279449-C-A. GRCh37 (hg19) VCF-style: chr5-1279564-C-A.
Other names: c.1972G>T, p.Val658Leu (NM_001193376.3, NM_003219.1); short protein forms V658L.
Identifiers: ClinVar variation 2954103 (VCV002954103.4), dbSNP rs2478277395, ClinGen allele CA359080829.
Genomic context (GRCh38, chr5:1,279,449, plus strand): 5'-CGCCCAGGAGGCCGGGGCGCCGCGCCCGCTCGTAGTTGAGCACGCTGAACAGTGCCTTCA[C>A]CCTCGAGGTGAGACGCTCGGCCTGGCGGGGACAGCATGGGAGACAGTCAGGAAAGTGGAT-3'
Protein context (NP_937983.2, residues 648-668): EKRAERLTSR[Val658Leu]KALFSVLNYE